The following is an entry in ClinVar:

ClinVar aggregate classification (germline): Uncertain significance (1 of 4 stars; one submission).

Submission:

Labcorp Genetics (formerly Invitae), Labcorp
Classification: Uncertain significance. Last evaluated: 2021-10-11. Review status: criteria provided, single submitter. Criteria: Invitae Variant Classification Sherloc (09022015). Collection method: clinical testing. Allele origin: germline.
Comment: In summary, the available evidence is currently insufficient to determine the role of this variant in disease. Therefore, it has been classified as a Variant of Uncertain Significance. This sequence change replaces asparagine with histidine at codon 789 of the PACS2 protein (p.Asn789His). The asparagine residue is highly conserved and there is a small physicochemical difference between asparagine and histidine. This variant is not present in population databases (ExAC no frequency). This variant has not been reported in the literature in individuals affected with PACS2-related conditions. Algorithms developed to predict the effect of missense changes on protein structure and function are either unavailable or do not agree on the potential impact of this missense change (SIFT: "Deleterious"; PolyPhen-2: "Possibly Damaging"; Align-GVGD: "Class C0").

NM_001100913.3(PACS2):c.2365A>C (p.Asn789His)

Gene: PACS2 (phosphofurin acidic cluster sorting protein 2; plus strand). Cytogenetic location: 14q32.33.
Variant type: single nucleotide variant.
Coding change: c.2365A>C on transcript NM_001100913.3 (MANE Select); coding-DNA position 2365, A replaced by C.
Protein change: p.Asn789His; replaces asparagine 789 with histidine.
Molecular consequence: missense variant.
Genome position (GRCh38, 1-based): chr14:105,392,728, A>C. VCF-style: chr14-105392728-A-C. GRCh37 (hg19) VCF-style: chr14-105859065-A-C.
Other names: c.2095A>C, p.Asn699His (NM_001243127.3); c.2320A>C, p.Asn774His (NM_015197.4); short protein forms N789H, N699H, N774H.
Identifiers: ClinVar variation 1386005 (VCV001386005.6), dbSNP rs1555415269, ClinGen allele CA391187320.
Genomic context (GRCh38, chr14:105,392,728, plus strand): 5'-GCAGCACAGCCTGCGGACAGGAAGAGGGACGCCGAGAAGAAGGACCTGCCTGTCACCAAA[A>C]ACACGCTCAAGTGCACTTTCCGGTCCCTCCAGGTCAGCAGGCTGCCCAGCAGCGGCGAGG-3'
Protein context (NP_001094383.2, residues 779-799): AEKKDLPVTK[Asn789His]TLKCTFRSLQ